The following is an entry in ClinVar:

NM_018474.6(KIZ):c.362G>A (p.Ser121Asn)

Gene: KIZ (kizuna centrosomal protein; plus strand). Cytogenetic location: 20p11.23.
Variant type: single nucleotide variant.
Coding change: c.362G>A on transcript NM_018474.6 (MANE Select); coding-DNA position 362, G replaced by A.
Protein change: p.Ser121Asn; replaces serine 121 with asparagine.
Molecular consequence: missense variant. On other transcripts: intron variant (1).
Genome position (GRCh38, 1-based): chr20:21,145,611, G>A. VCF-style: chr20-21145611-G-A. GRCh37 (hg19) VCF-style: chr20-21126252-G-A.
Other names: c.53G>A, p.Ser18Asn (NM_001163022.3, NM_001352435.2); c.215G>A, p.Ser72Asn (NM_001276389.2); c.362G>A, p.Ser121Asn (NM_001352434.2); c.20G>A, p.Ser7Asn (NM_001352436.2); c.6+13452G>A (NM_001163023.3); short protein forms S72N, S7N, S121N, S18N.
Identifiers: ClinVar variation 2082266 (VCV002082266.4), dbSNP rs1267960409, ClinGen allele CA408488808.

ClinVar aggregate classification (germline): Uncertain significance (1 of 4 stars; one submission).

Allele frequency attached by ClinVar (database versions not stated): gnomAD 0.00001.
gnomAD v4.1: 2 of 1,529,776 alleles (0.00013%); highest among the groups gnomAD compares: Admixed American, 0.0041%; no homozygotes.

Submission:

Labcorp Genetics (formerly Invitae), Labcorp
Classification: Uncertain significance. Last evaluated: 2025-03-03. Review status: criteria provided, single submitter. Criteria: Invitae Variant Classification Sherloc (09022015). Collection method: clinical testing. Allele origin: germline.
Comment: This sequence change replaces serine, which is neutral and polar, with asparagine, which is neutral and polar, at codon 121 of the KIZ protein (p.Ser121Asn). This variant is present in population databases (no rsID available, gnomAD no frequency). This variant has not been reported in the literature in individuals affected with KIZ-related conditions. ClinVar contains an entry for this variant (Variation ID: 2082266). Experimental studies and prediction algorithms are not available or were not evaluated, and the functional significance of this variant is currently unknown. In summary, the available evidence is currently insufficient to determine the role of this variant in disease. Therefore, it has been classified as a Variant of Uncertain Significance.